The following is an entry in ClinVar:

NM_001267550.2(TTN):c.48247G>T (p.Gly16083Ter)

Genes: TTN (titin; minus strand), TTN-AS1 (TTN antisense RNA 1; plus strand). Cytogenetic location: 2q31.2.
Variant type: single nucleotide variant.
Coding change: c.48247G>T on transcript NM_001267550.2 (MANE Select); coding-DNA position 48247, G replaced by T.
Protein change: p.Gly16083Ter; replaces glycine 16083 with a stop codon.
Molecular consequence: nonsense.
Genome position (GRCh38, 1-based): chr2:178,616,544, C>A on the plus strand (G>T on the coding strand, the complement: TTN is on the minus strand). VCF-style: chr2-178616544-C-A. GRCh37 (hg19) VCF-style: chr2-179481271-C-A.
Other names: c.43324G>T, p.Gly14442Ter (NM_001256850.1); c.21052G>T, p.Gly7018Ter (NM_003319.4); c.40543G>T, p.Gly13515Ter (NM_133378.4); c.21427G>T, p.Gly7143Ter (NM_133432.3); c.21628G>T, p.Gly7210Ter (NM_133437.4); short protein forms G13515*, G14442*, G16083*, G7018*, G7143*, G7210*.
Identifiers: ClinVar variation 3759210 (VCV003759210.3).

ClinVar aggregate classification (germline): Likely pathogenic. Review status: criteria provided, multiple submitters, no conflicts (2 of 4 stars). 2 submissions from 2 submitters: Likely pathogenic (2). Last evaluated 2025-06-11.

Conditions:
Dilated cardiomyopathy 1G (CMD1G). Identifiers: Orphanet 154, MedGen C1858763, MONDO:0011400, OMIM 604145.
Autosomal recessive limb-girdle muscular dystrophy type 2J (LGMDR10). Also called: Limb-girdle muscular dystrophy, type 2J; MUSCULAR DYSTROPHY, LIMB-GIRDLE, AUTOSOMAL RECESSIVE 10. Identifiers: Orphanet 140922, MedGen C1837342, MONDO:0012127, OMIM 608807.
Cardiovascular phenotype. Identifiers: MedGen CN230736.

Submissions (2):

Ambry Genetics
Classification: Likely pathogenic for Cardiovascular phenotype. Last evaluated: 2025-06-11. Review status: criteria provided, single submitter. Criteria: Ambry Variant Classification Scheme 2023. Collection method: clinical testing. Allele origin: germline.
Comment: The p.G7018* variant (also known as c.21052G>T), located in coding exon 84 of the TTN gene, results from a G to T substitution at nucleotide position 21052. This changes the amino acid from a glycine to a stop codon within coding exon 84. This exon is located in the A-band region of the N2-B isoform of the titin protein and is constitutively expressed in TTN transcripts (percent spliced in or PSI 100%). This variant is considered to be rare based on population cohorts in the Genome Aggregation Database (gnomAD). This variant is expected to result in loss of function by premature protein truncation or nonsense-mediated mRNA decay. While truncating variants in TTN are present in 1-3% of the general population, truncating variants in the A-band are the most common cause of dilated cardiomyopathy (Herman DS et al. N. Engl. J. Med., 2012 Feb;366:619-28; Roberts AM et al. Sci Transl Med, 2015 Jan;7:270ra6). TTN truncating variants encoded in constitutive exons (PSI >90%) have been found to be significantly associated with DCM regardless of their position in titin (Schafer S et al. Nat. Genet., 2017 01;49:46-53; Akhtar MM et al. Circ Heart Fail, 2020 Oct;13:e006832; Massier M et al. Clin Genet, 2025 Jan). Based on the majority of available evidence to date, this variant is likely to be pathogenic.

Labcorp Genetics (formerly Invitae), Labcorp
Classification: Likely pathogenic for Dilated cardiomyopathy 1G; Autosomal recessive limb-girdle muscular dystrophy type 2J. Last evaluated: 2024-09-23. Review status: criteria provided, single submitter. Criteria: Invitae Variant Classification Sherloc (09022015). Collection method: clinical testing. Allele origin: germline.
Comment: This sequence change creates a premature translational stop signal (p.Gly16083*) in the TTN gene. While this is not anticipated to result in nonsense mediated decay, it is expected to create a truncated TTN protein. This variant is not present in population databases (gnomAD no frequency). This premature translational stop signal has been observed in individual(s) with TTN-related conditions (internal data). This variant is located in the A band of TTN (PMID: 25589632). Truncating variants in this region are significantly overrepresented in patients affected with dilated cardiomyopathy (PMID: 25589632). Truncating variants in this region have also been reported in individuals affected with autosomal recessive centronuclear myopathy (PMID: 23975875). In summary, the currently available evidence indicates that the variant is pathogenic, but additional data are needed to prove that conclusively. Therefore, this variant has been classified as Likely Pathogenic.

Literature cited by the submitters: PubMed 25589632 (cited by Labcorp Genetics (formerly Invitae), Labcorp); PubMed 23975875 (cited by Labcorp Genetics (formerly Invitae), Labcorp).